The following is an entry in ClinVar:

ClinVar aggregate classification (germline): Uncertain significance (1 of 4 stars; one submission).

Conditions:
Long QT syndrome (LQTS). Identifiers: MedGen C0023976, MeSH D008133, MONDO:0002442. Disease mechanism: loss of function. Inheritance: Various modes of inheritance.

Allele frequency attached by ClinVar (database versions not stated): gnomAD exomes 0.00001; gnomAD 0.00005; ExAC 0.00002; TOPMed 0.00004.
gnomAD v4.1: 25 of 1,591,110 alleles (0.0016%); highest among the groups gnomAD compares: Non-Finnish European, 0.0021%; no homozygotes.

Submission:

Labcorp Genetics (formerly Invitae), Labcorp
Classification: Uncertain significance for Long QT syndrome. Last evaluated: 2025-10-29. Review status: criteria provided, single submitter. Criteria: Invitae Variant Classification Sherloc (09022015). Collection method: clinical testing. Allele origin: germline.
Comment: This sequence change falls in intron 10 of the AKAP9 gene. It does not directly change the encoded amino acid sequence of the AKAP9 protein. The frequency data for this variant in the population databases is considered unreliable, as metrics indicate poor data quality at this position in the gnomAD database. This variant has not been reported in the literature in individuals affected with AKAP9-related conditions. ClinVar contains an entry for this variant (Variation ID: 2755228). Algorithms developed to predict the effect of sequence changes on RNA splicing suggest that this variant may disrupt the consensus splice site. In summary, the available evidence is currently insufficient to determine the role of this variant in disease. Therefore, it has been classified as a Variant of Uncertain Significance.

NM_005751.5(AKAP9):c.3613-16A>G

Gene: AKAP9 (A-kinase anchoring protein 9; plus strand). Cytogenetic location: 7q21.2.
Variant type: single nucleotide variant.
Coding change: c.3613-16A>G on transcript NM_005751.5 (MANE Select); 16 bases into the intron before coding-DNA position 3613, A replaced by G.
Molecular consequence: intron variant.
Genome position (GRCh38, 1-based): chr7:92,016,113, A>G. VCF-style: chr7-92016113-A-G. GRCh37 (hg19) VCF-style: chr7-91645427-A-G.
Other names: c.3613-16A>G (NM_147185.3).
Identifiers: ClinVar variation 2755228 (VCV002755228.3), dbSNP rs777351111, ClinGen allele CA4336351.